The following is an entry in ClinVar:

ClinVar aggregate classification (germline): Pathogenic (1 of 4 stars; one submission).

Conditions:
Charcot-Marie-Tooth Neuropathy X. Identifiers: MedGen CN118851.

Submission:

Labcorp Genetics (formerly Invitae), Labcorp
Classification: Pathogenic for Charcot-Marie-Tooth Neuropathy X. Last evaluated: 2019-06-20. Review status: criteria provided, single submitter. Criteria: Invitae Variant Classification Sherloc (09022015). Collection method: clinical testing. Allele origin: germline.
Comment: A gross deletion of the genomic region encompassing the full coding sequence of the GJB1 gene has been identified. The boundaries of this event are unknown as the deletion extends beyond the assayed region for this gene and therefore may encompass additional genes. Similar deletions have been observed in multiple individuals affected with Charcot-Marie-Tooth disease and has been reported de novo in one affected individual (PMID: 27549087, 10587015, 24724718, 20532933). ClinVar contains an entry for this variant (Variation ID: 477588). Loss-of-function variants in GJB1 are known to be pathogenic (PMID: 17353473). For these reasons, this variant has been classified as Pathogenic.

Literature cited by the submitters: PubMed 10587015; PubMed 24724718; PubMed 27549087; PubMed 20532933.

NC_000023.11:g.(?_71223168)_(71224569_?)del

Gene: GJB1 (gap junction protein beta 1; plus strand). Cytogenetic location: Xq13.1.
Variant type: Deletion.
Identifiers: ClinVar variation 654107 (VCV000654107.2).